The following is an entry in ClinVar:

ClinVar aggregate classification (germline): Uncertain significance. Review status: criteria provided, multiple submitters, no conflicts (2 of 4 stars). 2 submissions from 2 submitters: Uncertain significance (2). Last evaluated 2026-01-28.

Conditions:
Fanconi anemia (FA). Also called: Fanconi's anemia. Identifiers: Orphanet 84, MedGen C0015625, MeSH D005199, MONDO:0019391.
Inborn genetic diseases. Identifiers: MedGen C0950123, MeSH D030342.

Allele frequency attached by ClinVar (database versions not stated): ExAC 0.00001; gnomAD 0.00001; gnomAD exomes 0.00001; TOPMed 0.00001.
gnomAD v4.1: 6 of 1,613,876 alleles (0.00037%); highest among the groups gnomAD compares: East Asian, 0.011%; no homozygotes.

Submissions (2):

Labcorp Genetics (formerly Invitae), Labcorp
Classification: Uncertain significance for Fanconi anemia. Last evaluated: 2026-01-28. Review status: criteria provided, single submitter. Criteria: Invitae Variant Classification Sherloc (09022015). Collection method: clinical testing. Allele origin: germline.
Comment: This sequence change replaces serine, which is neutral and polar, with arginine, which is basic and polar, at codon 1156 of the FANCM protein (p.Ser1156Arg). This variant is present in population databases (rs756947100, gnomAD 0.03%). This variant has not been reported in the literature in individuals affected with FANCM-related conditions. ClinVar contains an entry for this variant (Variation ID: 842425). An algorithm developed to predict the effect of missense changes on protein structure and function (PolyPhen-2) suggests that this variant is likely to be tolerated. In summary, the available evidence is currently insufficient to determine the role of this variant in disease. Therefore, it has been classified as a Variant of Uncertain Significance.

Ambry Genetics
Classification: Uncertain significance for Inborn genetic diseases. Last evaluated: 2025-02-09. Review status: criteria provided, single submitter. Criteria: Ambry Variant Classification Scheme 2023. Collection method: clinical testing. Allele origin: germline.
Comment: The p.S1156R variant (also known as c.3468C>G), located in coding exon 14 of the FANCM gene, results from a C to G substitution at nucleotide position 3468. The serine at codon 1156 is replaced by arginine, an amino acid with dissimilar properties. This amino acid position is conserved. In addition, this alteration is predicted to be tolerated by in silico analysis. Based on the available evidence, the clinical significance of this variant remains unclear.

NM_020937.4(FANCM):c.3468C>G (p.Ser1156Arg)

Gene: FANCM (FA complementation group M; plus strand). Cytogenetic location: 14q21.2.
Variant type: single nucleotide variant.
Coding change: c.3468C>G on transcript NM_020937.4 (MANE Select); coding-DNA position 3468, C replaced by G.
Protein change: p.Ser1156Arg; replaces serine 1156 with arginine.
Molecular consequence: missense variant.
Genome position (GRCh38, 1-based): chr14:45,176,222, C>G. VCF-style: chr14-45176222-C-G. GRCh37 (hg19) VCF-style: chr14-45645425-C-G.
Other names: c.3390C>G, p.Ser1130Arg (NM_001308133.2); short protein forms S1130R, S1156R.
Identifiers: ClinVar variation 842425 (VCV000842425.10), dbSNP rs756947100, ClinGen allele CA7169513.
Genomic context (GRCh38, chr14:45,176,222, plus strand): 5'-ATTTGAAGATGTTAATACAGAGTTCGACGATGTGAGTCTTTCACCCTTGAACAGTAAAAG[C>G]GAATCTTTACCTGTGTCAGACAAAACTGCTATTAGTGAAACGCCTCTGGTCTCTCAGTTC-3'
Protein context (NP_065988.1, residues 1146-1166): DVSLSPLNSK[Ser1156Arg]ESLPVSDKTA